The following is an entry in ClinVar:

NM_003000.3(SDHB):c.70C>G (p.Gln24Glu)

Genes: SDHB (succinate dehydrogenase complex iron sulfur subunit B; minus strand), LOC129929542 (ATAC-STARR-seq lymphoblastoid active region 277; plus strand). Cytogenetic location: 1p36.13.
Variant type: single nucleotide variant.
Coding change: c.70C>G on transcript NM_003000.3 (MANE Select); coding-DNA position 70, C replaced by G.
Protein change: p.Gln24Glu; replaces glutamine 24 with glutamic acid.
Molecular consequence: missense variant.
Genome position (GRCh38, 1-based): chr1:17,053,950, G>C on the plus strand (C>G on the coding strand, the complement: SDHB is on the minus strand). VCF-style: chr1-17053950-G-C. GRCh37 (hg19) VCF-style: chr1-17380445-G-C.
Other names: c.70C>G, p.Gln24Glu (NM_001407361.1); short protein forms Q24E.
Identifiers: ClinVar variation 3223018 (VCV003223018.2), dbSNP rs1570963430, ClinGen allele CA338230593.

ClinVar aggregate classification (germline): Uncertain significance. Review status: criteria provided, multiple submitters, no conflicts (2 of 4 stars). 2 submissions from 2 submitters: Uncertain significance (2). Last evaluated 2025-09-15.

Conditions:
Hereditary cancer-predisposing syndrome. Also called: Neoplastic Syndromes, Hereditary; Tumor predisposition; Hereditary Cancer Syndrome; Hereditary neoplastic syndrome. Identifiers: Orphanet 140162, MedGen C0027672, MeSH D009386, MONDO:0015356.
Pheochromocytoma. Also called: MAX-Related Hereditary Paraganglioma-Pheochromocytoma Syndrome. Identifiers: Orphanet 29072, MedGen C0031511, MONDO:0008233, OMIM 171300, HP:0002666.
Gastrointestinal stromal tumor. Also called: Gastrointestinal stromal tumor, somatic; Gastrointestinal stroma tumor. Identifiers: Orphanet 44890, MedGen C0238198, MeSH D046152, MONDO:0011719, OMIM 606764, HP:0100723.
Pheochromocytoma/paraganglioma syndrome 4. Also called: CAROTID BODY TUMORS AND MULTIPLE EXTRAADRENAL PHEOCHROMOCYTOMAS; PARAGANGLIOMA, FAMILIAL MALIGNANT; PARAGANGLIOMAS, HEREDITARY EXTRAADRENAL; PHEOCHROMOCYTOMA, FAMILIAL EXTRAADRENAL; Paragangliomas 4; SDHB-Related Hereditary Paraganglioma-Pheochromocytoma Syndrome (Paragangliomas 4). Identifiers: Orphanet 29072, MedGen C1861848, MONDO:0007273, OMIM 115310.

Submissions (2):

Labcorp Genetics (formerly Invitae), Labcorp
Classification: Uncertain significance for Gastrointestinal stromal tumor; Pheochromocytoma/paraganglioma syndrome 4; Pheochromocytoma. Last evaluated: 2025-09-15. Review status: criteria provided, single submitter. Criteria: Invitae Variant Classification Sherloc (09022015). Collection method: clinical testing. Allele origin: germline.
Comment: This sequence change replaces glutamine, which is neutral and polar, with glutamic acid, which is acidic and polar, at codon 24 of the SDHB protein (p.Gln24Glu). This variant is not present in population databases (gnomAD no frequency). This variant has not been reported in the literature in individuals affected with SDHB-related conditions. ClinVar contains an entry for this variant (Variation ID: 3223018). An algorithm developed to predict the effect of missense changes on protein structure and function (PolyPhen-2) suggests that this variant is likely to be tolerated. In summary, the available evidence is currently insufficient to determine the role of this variant in disease. Therefore, it has been classified as a Variant of Uncertain Significance.

Ambry Genetics
Classification: Uncertain significance for Hereditary cancer-predisposing syndrome. Last evaluated: 2024-02-13. Review status: criteria provided, single submitter. Criteria: Ambry Variant Classification Scheme 2023. Collection method: clinical testing. Allele origin: germline.
Comment: The p.Q24E variant (also known as c.70C>G), located in coding exon 1 of the SDHB gene, results from a C to G substitution at nucleotide position 70. The glutamine at codon 24 is replaced by glutamic acid, an amino acid with highly similar properties. This amino acid position is conserved. In addition, the in silico prediction for this alteration is inconclusive. Based on the available evidence, the clinical significance of this alteration remains unclear.